The following is an entry in ClinVar:

ClinVar aggregate classification (germline): Uncertain significance (1 of 4 stars; one submission).

Conditions:
Cardiovascular phenotype. Identifiers: MedGen CN230736.

gnomAD v4.1: 2 of 1,596,134 alleles (0.00013%); highest among the groups gnomAD compares: Non-Finnish European, 0.00017%; no homozygotes.

Submission:

Ambry Genetics
Classification: Uncertain significance for Cardiovascular phenotype. Last evaluated: 2026-02-19. Review status: criteria provided, single submitter. Criteria: Ambry Variant Classification Scheme 2023. Collection method: clinical testing. Allele origin: germline.
Comment: The p.D221E variant (also known as c.663C>G), located in coding exon 2 of the TNXB gene, results from a C to G substitution at nucleotide position 663. The aspartic acid at codon 221 is replaced by glutamic acid, an amino acid with highly similar properties. This amino acid position is conserved. In addition, this alteration is predicted to be tolerated by in silico analysis. Based on the available evidence, the clinical significance of this variant remains unclear.

NM_001365276.2(TNXB):c.663C>G (p.Asp221Glu)

Gene: TNXB (tenascin XB; minus strand). Cytogenetic location: 6p21.33.
Variant type: single nucleotide variant.
Coding change: c.663C>G on transcript NM_001365276.2 (MANE Select); coding-DNA position 663, C replaced by G.
Protein change: p.Asp221Glu; replaces aspartic acid 221 with glutamic acid.
Molecular consequence: missense variant.
Genome position (GRCh38, 1-based): chr6:32,097,190, G>C on the plus strand (C>G on the coding strand, the complement: TNXB is on the minus strand). VCF-style: chr6-32097190-G-C. GRCh37 (hg19) VCF-style: chr6-32064967-G-C.
Other names: c.663C>G, p.Asp221Glu (NM_001428335.1, NM_019105.8); short protein forms D221E.
Identifiers: ClinVar variation 4824417 (VCV004824417.1).